The following is an entry in ClinVar:

NM_000465.4(BARD1):c.540_542del (p.Tyr180_Glu181delinsTer)

Gene: BARD1 (BRCA1 associated RING domain 1; minus strand). Cytogenetic location: 2q35.
Variant type: Deletion.
Coding change: c.540_542del on transcript NM_000465.4 (MANE Select); coding-DNA positions 540 to 542, 3 bases deleted (TGA; older notation c.540_542delTGA).
Protein change: p.Tyr180_Glu181delinsTer.
Molecular consequence: nonsense. On other transcripts: non-coding transcript variant (2), intron variant (3).
Genome position (GRCh38, 1-based): chr2:214,781,332-214,781,334, TCA deleted on the plus strand (TGA on the coding strand, the reverse complement: BARD1 is on the minus strand); deleting any 3 consecutive bases within chr2:214,781,332-214,781,335 gives the same sequence; the c. name uses the placement nearest the transcript's 3' end. VCF-style (leftmost placement, unchanged base first): chr2-214781331-TTCA-T. GRCh37 (hg19) VCF-style: chr2-215646055-TTCA-T.
Other names: c.483_485del, p.Tyr161_Glu162delinsTer (NM_001282543.2); c.158+28078_158+28080del (NM_001282548.2); c.215+15727_215+15729del (NM_001282545.2); c.364+10963_364+10965del (NM_001282549.2).
Identifiers: ClinVar variation 3231800 (VCV003231800.1), dbSNP rs2469512079, ClinGen allele CA2825001079.

ClinVar aggregate classification (germline): Pathogenic (1 of 4 stars; one submission).

Conditions:
Hereditary cancer-predisposing syndrome. Also called: Neoplastic Syndromes, Hereditary; Tumor predisposition; Hereditary neoplastic syndrome; Hereditary Cancer Syndrome. Identifiers: Orphanet 140162, MedGen C0027672, MeSH D009386, MONDO:0015356.

Submission:

Ambry Genetics
Classification: Pathogenic for Hereditary cancer-predisposing syndrome. Last evaluated: 2023-11-15. Review status: criteria provided, single submitter. Criteria: Ambry Variant Classification Scheme 2023. Collection method: clinical testing. Allele origin: germline.
Comment: The c.540_542delTGA pathogenic mutation, located in coding exon 4 of the BARD1 gene, results from an in-frame TGA deletion at nucleotide positions 540 to 542. This results in the insertion of an alternate stop codon (p.Y180*). This alteration is expected to result in loss of function by premature protein truncation or nonsense-mediated mRNA decay. As such, this alteration is interpreted as a disease-causing mutation.